The following is an entry in ClinVar:

NM_138387.4(G6PC3):c.979C>T (p.Leu327Phe)

Gene: G6PC3 (glucose-6-phosphatase catalytic subunit 3; plus strand). Cytogenetic location: 17q21.31.
Variant type: single nucleotide variant.
Coding change: c.979C>T on transcript NM_138387.4 (MANE Select); coding-DNA position 979, C replaced by T.
Protein change: p.Leu327Phe; replaces leucine 327 with phenylalanine.
Molecular consequence: missense variant. On other transcripts: 3 prime UTR variant (1).
Genome position (GRCh38, 1-based): chr17:44,075,981, C>T. VCF-style: chr17-44075981-C-T. GRCh37 (hg19) VCF-style: chr17-42153349-C-T.
Other names: c.*272C>T (NM_001319945.2); c.634C>T, p.Leu212Phe (NM_001384165.1, NM_001384166.1, NM_001384167.1 and 1 more transcripts); short protein forms L212F, L327F.
Identifiers: ClinVar variation 4871581 (VCV004871581.1).

ClinVar aggregate classification (germline): Uncertain significance (1 of 4 stars; one submission).

Conditions:
Inborn genetic diseases. Identifiers: MedGen C0950123, MeSH D030342.

Submission:

Ambry Genetics
Classification: Uncertain significance for Inborn genetic diseases. Last evaluated: 2026-03-22. Review status: criteria provided, single submitter. Criteria: Ambry Variant Classification Scheme 2023. Collection method: clinical testing. Allele origin: germline.
Comment: The p.L327F variant (also known as c.979C>T), located in coding exon 6 of the G6PC3 gene, results from a C to T substitution at nucleotide position 979. The leucine at codon 327 is replaced by phenylalanine, an amino acid with highly similar properties. This amino acid position is conserved. In addition, this alteration is predicted to be tolerated by in silico analysis. Based on the available evidence, the clinical significance of this variant remains unclear.